The following is an entry in ClinVar:

ClinVar aggregate classification (germline): Uncertain significance (1 of 4 stars; one submission).

Allele frequency attached by ClinVar (database versions not stated): TOPMed 0.00001.

Submission:

Labcorp Genetics (formerly Invitae), Labcorp
Classification: Uncertain significance. Last evaluated: 2025-07-15. Review status: criteria provided, single submitter. Criteria: Invitae Variant Classification Sherloc (09022015). Collection method: clinical testing. Allele origin: germline.
Comment: This sequence change falls in intron 17 of the DDX58 gene. It does not directly change the encoded amino acid sequence of the DDX58 protein. It affects a nucleotide within the consensus splice site. This variant is not present in population databases (gnomAD no frequency). This variant has not been reported in the literature in individuals affected with DDX58-related conditions. ClinVar contains an entry for this variant (Variation ID: 1931574). Variants that disrupt the consensus splice site are a relatively common cause of aberrant splicing (PMID: 17576681, 9536098). Algorithms developed to predict the effect of sequence changes on RNA splicing suggest that this variant is not likely to affect RNA splicing. In summary, the available evidence is currently insufficient to determine the role of this variant in disease. Therefore, it has been classified as a Variant of Uncertain Significance.

Literature cited by the submitters: PubMed 17576681; PubMed 9536098.

NM_014314.4(RIGI):c.2481+5G>C

Genes: RIGI (RNA sensor RIG-I; minus strand), LOC101060445 (uncharacterized LOC101060445; plus strand). Cytogenetic location: 9p21.1.
Variant type: single nucleotide variant.
Coding change: c.2481+5G>C on transcript NM_014314.4 (MANE Select); 5 bases into the intron after coding-DNA position 2481, G replaced by C.
Molecular consequence: intron variant.
Genome position (GRCh38, 1-based): chr9:32,459,366, C>G on the plus strand (G>C on the coding strand, the complement: RIGI is on the minus strand). VCF-style: chr9-32459366-C-G. GRCh37 (hg19) VCF-style: chr9-32459364-C-G.
Other names: c.1872+5G>C (NM_001385912.1); c.2466+5G>C (NM_001385913.1); c.2475+5G>C (NM_001385907.1); c.2310+5G>C (NM_001385909.1); c.2037+5G>C (NM_001385914.1); c.2040+5G>C (NM_001385910.1).
Identifiers: ClinVar variation 1931574 (VCV001931574.5), dbSNP rs887116436, ClinGen allele CA192352533.